The following is an entry in ClinVar:

NM_000268.4:c.114+874_115-3533del

Gene: NF2 (NF2, moesin-ezrin-radixin like (MERLIN) tumor suppressor; plus strand).
Variant type: Deletion.
Other names: c.114+874_115-3533del (NM_000268.4).
Identifiers: ClinVar variation 4887485 (VCV004887485.1).

ClinVar aggregate classification (germline): Uncertain significance (1 of 4 stars; one submission).

Submission:

Women's Health and Genetics/Laboratory Corporation of America, LabCorp
Classification: Uncertain significance. Last evaluated: 2026-06-05. Review status: criteria provided, single submitter. Criteria: LabCorp Variant Classification Summary - May 2015. Collection method: clinical testing. Allele origin: germline.
Comment: Variant summary: NF2 c.114+874_115-3533del is located at a position not widely known to affect splicing. The variant involves a ~28.2 kb deletion within intron 1 of NM_000268.4 which is a large (~32.6 kb) intron. The variant was absent in the gnomAD database, however smaller (22.4 kb), fully nested deletion was found at a frequency of 4.6e-05 in 21694 control chromosomes (i.e. in 1 carrier) in the gnomAD database (Structural Variants v2.1 dataset). The available data on variant occurrences in the general population are insufficient to allow any conclusion about variant significance. To our knowledge, no occurrence of c.114+874_115-3533del in individuals affected with NF2-related conditions and no experimental evidence demonstrating its impact on protein function have been reported. One study reported a small deletion (~5 kb) within this large intron in affected individuals (PMID 9643284), however no further details (e.g. molecular coordinates) were provided. No submitters have cited clinical-significance assessments for this variant to ClinVar. Based on the evidence outlined above, the variant was classified as uncertain significance.